The following is an entry in ClinVar:

ClinVar aggregate classification (germline): Pathogenic/Likely pathogenic. Review status: criteria provided, multiple submitters, no conflicts (2 of 4 stars). 5 submissions from 5 submitters: Pathogenic (1); Likely pathogenic (3). 1 of the submissions does not count toward it. Last evaluated 2025-10-01.

Conditions:
Dilated cardiomyopathy 1G (CMD1G). Identifiers: Orphanet 154, MedGen C1858763, MONDO:0011400, OMIM 604145.
Autosomal recessive limb-girdle muscular dystrophy type 2J (LGMDR10). Also called: Limb-girdle muscular dystrophy, type 2J; MUSCULAR DYSTROPHY, LIMB-GIRDLE, AUTOSOMAL RECESSIVE 10. Identifiers: Orphanet 140922, MedGen C1837342, MONDO:0012127, OMIM 608807.

Submissions (5):

CeGaT Center for Human Genetics Tuebingen
Classification: Likely pathogenic. Last evaluated: 2025-10-01. Review status: criteria provided, single submitter. Criteria: CeGaT Center For Human Genetics Tuebingen Variant Classification Criteria Version 2. Collection method: clinical testing. Allele origin: germline. Affected: yes. Observed: 2 variant alleles.
Comment: TTN: PVS1:Strong, PM2

Genomic Medicine Center of Excellence, King Faisal Specialist Hospital and Research Centre
Classification: Pathogenic for Dilated cardiomyopathy 1G. Last evaluated: 2025-09-10. Review status: criteria provided, single submitter. Criteria: ACMG Guidelines, 2015. Collection method: clinical testing. Allele origin: germline.

Labcorp Genetics (formerly Invitae), Labcorp
Classification: Likely pathogenic for Dilated cardiomyopathy 1G; Autosomal recessive limb-girdle muscular dystrophy type 2J. Last evaluated: 2025-04-22. Review status: criteria provided, single submitter. Criteria: Invitae Variant Classification Sherloc (09022015). Collection method: clinical testing. Allele origin: germline.
Comment: This sequence change creates a premature translational stop signal (p.Trp18718*) in the TTN gene. While this is not anticipated to result in nonsense mediated decay, it is expected to create a truncated TTN protein. This variant is not present in population databases (gnomAD no frequency). This variant has not been reported in the literature in individuals affected with TTN-related conditions. ClinVar contains an entry for this variant (Variation ID: 501266). This variant is located in the A band of TTN (PMID: 25589632). Truncating variants in this region are significantly overrepresented in patients affected with dilated cardiomyopathy (PMID: 25589632). Truncating variants in this region have also been reported in individuals affected with autosomal recessive centronuclear myopathy (PMID: 23975875). In summary, the currently available evidence indicates that the variant is pathogenic, but additional data are needed to prove that conclusively. Therefore, this variant has been classified as Likely Pathogenic.

Eurofins Ntd Llc (ga)
Classification: Likely pathogenic. Last evaluated: 2017-04-19. Review status: criteria provided, single submitter. Criteria: EGL Classification Definitions 2015. Collection method: clinical testing. Allele origin: germline. Observed: 1 variant allele, 1 heterozygote.

Clinical Laboratory Sciences Program (CLSP), King Saud bin Abdulaziz University for Health Sciences (KSAU-HS)
Classification: Pathogenic for Dilated cardiomyopathy 1G. Last evaluated: 2023-04-01. Review status: no assertion criteria provided. Collection method: clinical testing. Allele origin: germline. Affected: yes. Not counted in ClinVar's aggregate classification.

Literature cited by the submitters: PubMed 25589632 (cited by Labcorp Genetics (formerly Invitae), Labcorp); PubMed 23975875 (cited by Labcorp Genetics (formerly Invitae), Labcorp).

NM_001267550.2(TTN):c.56153G>A (p.Trp18718Ter)

Genes: TTN (titin; minus strand), TTN-AS1 (TTN antisense RNA 1; plus strand). Cytogenetic location: 2q31.2.
Variant type: single nucleotide variant.
Coding change: c.56153G>A on transcript NM_001267550.2 (MANE Select); coding-DNA position 56153, G replaced by A.
Protein change: p.Trp18718Ter; replaces tryptophan 18718 with a stop codon.
Molecular consequence: nonsense. On other transcripts: non-coding transcript variant (1).
Genome position (GRCh38, 1-based): chr2:178,599,748, C>T on the plus strand (G>A on the coding strand, the complement: TTN is on the minus strand). VCF-style: chr2-178599748-C-T. GRCh37 (hg19) VCF-style: chr2-179464475-C-T.
Other names: c.56153G>A (NM_001267550.1); c.51230G>A, p.Trp17077Ter (NM_001256850.1); c.28958G>A, p.Trp9653Ter (NM_003319.4); c.48449G>A, p.Trp16150Ter (NM_133378.4); c.29333G>A, p.Trp9778Ter (NM_133432.3); c.29534G>A, p.Trp9845Ter (NM_133437.4); short protein forms W16150*, W18718*, W9778*, W17077*, W9653*, W9845*.
Identifiers: ClinVar variation 501266 (VCV000501266.30), dbSNP rs1477101279, ClinGen allele CA349534533.